The following is an entry in ClinVar:

NM_030665.4(RAI1):c.3731GCA[9] (p.Ser1249_Asn1250insSerSerSer)

Gene: RAI1 (retinoic acid induced 1; plus strand). Cytogenetic location: 17p11.2.
Variant type: Microsatellite.
Coding change: c.3731GCA[9] on transcript NM_030665.4 (MANE Select); nine copies in a row of the 3-base unit GCA starting at c.3731; the reference has six copies in a row; three copies, 9 bases duplicated.
Protein change: p.Ser1249_Asn1250insSerSerSer.
Molecular consequence: inframe insertion.
Genome position (GRCh38, 1-based): chr17:17,796,688-17,796,696, GCAGCAGCA duplicated; duplicating any 9 consecutive bases within chr17:17,796,679-17,796,696 gives the same sequence; the position shown is the placement nearest the transcript's 3' end. VCF-style (leftmost placement, unchanged base first): chr17-17796678-C-CGCAGCAGCA. GRCh37 (hg19) VCF-style: chr17-17699992-C-CGCAGCAGCA.
Identifiers: ClinVar variation 2733925 (VCV002733925.3), dbSNP rs760919336, ClinGen allele CA2636388287.
Genomic context (GRCh38, chr17:17,796,678, plus strand): 5'-AGGAAGTCGGCCTTCATGGCGCCGGTCCCCACCAAGAAGCGGAACCTGGTCTTGCGGAGC[C>CGCAGCAGCA]GCAGCAGCAGCAGCAGCAACGCCAGTGGCAATGGGGGAGATGGGAAGGAGGAGAGGCCTG-3'

ClinVar aggregate classification (germline): Uncertain significance (1 of 4 stars; one submission).

Submission:

Labcorp Genetics (formerly Invitae), Labcorp
Classification: Uncertain significance. Last evaluated: 2023-12-08. Review status: criteria provided, single submitter. Criteria: Invitae Variant Classification Sherloc (09022015). Collection method: clinical testing. Allele origin: germline.
Comment: This variant, c.3740_3748dup, results in the insertion of 3 amino acid(s) of the RAI1 protein (p.Ser1247_Ser1249dup), but otherwise preserves the integrity of the reading frame. This variant is not present in population databases (gnomAD no frequency). This variant has not been reported in the literature in individuals affected with RAI1-related conditions. In summary, the available evidence is currently insufficient to determine the role of this variant in disease. Therefore, it has been classified as a Variant of Uncertain Significance.